The following is an entry in ClinVar:

ClinVar aggregate classification (germline): Pathogenic (1 of 4 stars; one submission).

Conditions:
Primary ciliary dyskinesia 30. Also called: CILIARY DYSKINESIA, PRIMARY, 30, WITH OR WITHOUT SITUS INVERSUS. Identifiers: Orphanet 244, MedGen C4015016, MONDO:0014465, OMIM 616037.

Submission:

Labcorp Genetics (formerly Invitae), Labcorp
Classification: Pathogenic for Primary ciliary dyskinesia 30. Last evaluated: 2023-06-06. Review status: criteria provided, single submitter. Criteria: Invitae Variant Classification Sherloc (09022015). Collection method: clinical testing. Allele origin: germline.
Comment: For these reasons, this variant has been classified as Pathogenic. This variant has not been reported in the literature in individuals affected with CCDC151-related conditions. This variant is not present in population databases (gnomAD no frequency). This sequence change creates a premature translational stop signal (p.Gln175Argfs*44) in the CCDC151 gene. It is expected to result in an absent or disrupted protein product. Loss-of-function variants in CCDC151 are known to be pathogenic (PMID: 25192045).

Literature cited by the submitters: PubMed 25192045.

NM_145045.5(ODAD3):c.522del (p.Gln175fs)

Gene: ODAD3 (outer dynein arm docking complex subunit 3; minus strand). Cytogenetic location: 19p13.2.
Variant type: Deletion.
Coding change: c.522del on transcript NM_145045.5 (MANE Select); coding-DNA position 522, one base deleted (G; older notation c.522delG).
Protein change: p.Gln175fs; shifts the reading frame from glutamine 175.
Molecular consequence: frameshift variant.
Genome position (GRCh38, 1-based): chr19:11,426,963, C deleted on the plus strand (G on the coding strand, the reverse complement: ODAD3 is on the minus strand); the first of 2 consecutive C bases (chr19:11,426,963-11,426,964); deleting either gives the same sequence. VCF-style (leftmost placement, unchanged base first): chr19-11426962-GC-G. GRCh37 (hg19) VCF-style: chr19-11537782-GC-G.
Other names: c.360del, p.Gln121fs (NM_001302453.1); c.444del, p.Gln149fs (NM_001302454.2); short protein forms Q149fs, Q175fs, Q121fs.
Identifiers: ClinVar variation 2863183 (VCV002863183.3), dbSNP rs2512483025, ClinGen allele CA2642407389.